The following is an entry in ClinVar:

ClinVar aggregate classification (germline): Likely pathogenic (1 of 4 stars; one submission).

Conditions:
Developmental and epileptic encephalopathy, 13 (DEE13). Also called: Early infantile epileptic encephalopathy 13; SCN8A-Related Epilepsy; Developmental and Epileptic Encephalopathy (SCN8A-DEE). Identifiers: Orphanet 442835, MedGen C3281191, MONDO:0013801, OMIM 614558.

Submission:

Variantyx, Inc.
Classification: Likely pathogenic for Developmental and epileptic encephalopathy, 13. Last evaluated: 2025-07-17. Review status: criteria provided, single submitter. Criteria: Variantyx Assertion Criteria 2022. Collection method: clinical testing. Allele origin: de novo. Inheritance: Autosomal dominant inheritance. Affected: yes.
Comment: This is a nonsynonymous variant in the SCN8A gene (OMIM: 600702). Pathogenic variants in this gene have been associated with autosomal dominant developmental and epileptic encephalopathy 13. Alternate amino acid change(s) at this position (p.Arg859His) in paralogue gene SCN1A have been previously reported in similarly affected individuals (PMID:21864321), which suggests that this residue is biologically important (PM5_Supporting). Multiple computational algorithms predict a deleterious effect for this variant (REVEL score: 0.911) (PP3). This variant is absent from control populations (PM2). Based on he evidence, this variant is classified as likely pathogenic for autosomal dominant developmental and epileptic encephalopathy 13.

Literature cited by the submitters: PubMed 21864321.

NM_001330260.2(SCN8A):c.2575C>T (p.Pro859Ser)

Gene: SCN8A (sodium voltage-gated channel alpha subunit 8; plus strand). Cytogenetic location: 12q13.13.
Variant type: single nucleotide variant.
Coding change: c.2575C>T on transcript NM_001330260.2 (MANE Select); coding-DNA position 2575, C replaced by T.
Protein change: p.Pro859Ser; replaces proline 859 with serine.
Molecular consequence: missense variant.
Genome position (GRCh38, 1-based): chr12:51,765,701, C>T. VCF-style: chr12-51765701-C-T. GRCh37 (hg19) VCF-style: chr12-52159485-C-T.
Other names: c.2575C>T, p.Pro859Ser (NM_001177984.3, NM_001369788.1, NM_014191.4); short protein forms P859S.
Identifiers: ClinVar variation 4850190 (VCV004850190.1).